The following is an entry in ClinVar:

NM_001025603.2(RFX5):c.367_368del (p.Leu124fs)

Gene: RFX5 (regulatory factor X5; minus strand). Cytogenetic location: 1q21.3.
Variant type: Microsatellite.
Coding change: c.367_368del on transcript NM_001025603.2 (MANE Select); coding-DNA positions 367 to 368, 2 bases deleted (AG; older notation c.367_368delAG).
Protein change: p.Leu124fs; shifts the reading frame from leucine 124.
Molecular consequence: frameshift variant.
Genome position (GRCh38, 1-based): chr1:151,344,522-151,344,523, CT deleted on the plus strand (AG on the coding strand, the reverse complement: RFX5 is on the minus strand); deleting any 2 consecutive bases within chr1:151,344,522-151,344,526 gives the same sequence; the c. name uses the placement nearest the transcript's 3' end. VCF-style (leftmost placement, unchanged base first): chr1-151344521-ACT-A. GRCh37 (hg19) VCF-style: chr1-151316997-ACT-A.
Other names: c.367_368del, p.Leu124fs (NM_000449.4, NM_001379412.1, NM_001379413.1 and 5 more transcripts); c.247_248del, p.Leu84fs (NM_001379419.1, NM_001379420.1); short protein forms L84fs, L124fs.
Identifiers: ClinVar variation 2156804 (VCV002156804.4), dbSNP rs1228361094, ClinGen allele CA526660401.

ClinVar aggregate classification (germline): Pathogenic (1 of 4 stars; one submission).

Conditions:
MHC class II deficiency. Also called: Bare lymphocyte syndrome 2; BLS, TYPE II. Identifiers: Orphanet 572, MedGen C5447452, MONDO:0008855.

Submission:

Labcorp Genetics (formerly Invitae), Labcorp
Classification: Pathogenic for MHC class II deficiency. Last evaluated: 2025-05-15. Review status: criteria provided, single submitter. Criteria: Invitae Variant Classification Sherloc (09022015). Collection method: clinical testing. Allele origin: germline.
Comment: This sequence change creates a premature translational stop signal (p.Leu124Cysfs*21) in the RFX5 gene. It is expected to result in an absent or disrupted protein product. Loss-of-function variants in RFX5 are known to be pathogenic (PMID: 7744245, 9401005, 10079298). This variant is present in population databases (no rsID available, gnomAD 0.0009%). This premature translational stop signal has been observed in individual(s) with major histocompatibility complex (MHC) class II deficiency (PMID: 34093558). For these reasons, this variant has been classified as Pathogenic.

Literature cited by the submitters: PubMed 7744245; PubMed 9401005; PubMed 10079298; PubMed 34093558.